The following is an entry in ClinVar:

ClinVar aggregate classification (germline): Uncertain significance (1 of 4 stars; one submission).

Conditions:
Autosomal dominant nocturnal frontal lobe epilepsy 5. Also called: KCNT1-Related Epilepsy; CILIARY DYSKINESIA, PRIMARY, 28, WITHOUT SITUS INVERSUS; CILIARY DYSKINESIA, PRIMARY, 28, WITH SITUS INVERSUS; Epilepsy, nocturnal frontal lobe, 5. Identifiers: Orphanet 98784, MedGen C3554306, MONDO:0014002, OMIM 615005.
Developmental and epileptic encephalopathy, 14 (DEE14). Also called: Early infantile epileptic encephalopathy 14. Identifiers: Orphanet 293181, MedGen C3554195, MONDO:0013989, OMIM 614959.

Allele frequency attached by ClinVar (database versions not stated): gnomAD exomes below 0.00001; ExAC 0.00001.

Submission:

Labcorp Genetics (formerly Invitae), Labcorp
Classification: Uncertain significance for Autosomal dominant nocturnal frontal lobe epilepsy 5; Developmental and epileptic encephalopathy, 14. Last evaluated: 2025-02-17. Review status: criteria provided, single submitter. Criteria: Invitae Variant Classification Sherloc (09022015). Collection method: clinical testing. Allele origin: germline.
Comment: This sequence change replaces aspartic acid, which is acidic and polar, with glycine, which is neutral and non-polar, at codon 867 of the KCNT1 protein (p.Asp867Gly). This variant is present in population databases (rs757223440, gnomAD 0.0009%). This variant has not been reported in the literature in individuals affected with KCNT1-related conditions. ClinVar contains an entry for this variant (Variation ID: 949489). Invitae Evidence Modeling of protein sequence and biophysical properties (such as structural, functional, and spatial information, amino acid conservation, physicochemical variation, residue mobility, and thermodynamic stability) indicates that this missense variant is expected to disrupt KCNT1 protein function with a positive predictive value of 80%. In summary, the available evidence is currently insufficient to determine the role of this variant in disease. Therefore, it has been classified as a Variant of Uncertain Significance.

NM_020822.3(KCNT1):c.2600A>G (p.Asp867Gly)

Gene: KCNT1 (potassium sodium-activated channel subfamily T member 1; plus strand). Cytogenetic location: 9q34.3.
Variant type: single nucleotide variant.
Coding change: c.2600A>G on transcript NM_020822.3 (MANE Select); coding-DNA position 2600, A replaced by G.
Protein change: p.Asp867Gly; replaces aspartic acid 867 with glycine.
Molecular consequence: missense variant.
Genome position (GRCh38, 1-based): chr9:135,778,693, A>G. VCF-style: chr9-135778693-A-G. GRCh37 (hg19) VCF-style: chr9-138670539-A-G.
Other names: c.2465A>G, p.Asp822Gly (NM_001272003.2); short protein forms D867G, D822G.
Identifiers: ClinVar variation 949489 (VCV000949489.10), dbSNP rs757223440, ClinGen allele CA5327370.
Genomic context (GRCh38, chr9:135,778,693, plus strand): 5'-TGTGGGTGGGGAGTGGGCCGCATCCTCAGCCACGGGCCCTCGGTCCCGCCACCAGCCTGG[A>G]CAGCCTGCTGCAGTGTGGCATCATCTATGCGGACAACCTGGTGGTGGTGGACAAGGAGAG-3'
Protein context (NP_065873.2, residues 857-877): YYMEGSVDNL[Asp867Gly]SLLQCGIIYA